The following is an entry in ClinVar:

NM_152594.3(SPRED1):c.26A>T (p.Asp9Val)

Gene: SPRED1 (sprouty related EVH1 domain containing 1; plus strand). Cytogenetic location: 15q14.
Variant type: single nucleotide variant.
Coding change: c.26A>T on transcript NM_152594.3 (MANE Select); coding-DNA position 26, A replaced by T.
Protein change: p.Asp9Val; replaces aspartic acid 9 with valine.
Molecular consequence: missense variant.
Genome position (GRCh38, 1-based): chr15:38,253,211, A>T. VCF-style: chr15-38253211-A-T. GRCh37 (hg19) VCF-style: chr15-38545412-A-T.
Other names: short protein forms D9V.
Identifiers: ClinVar variation 47967 (VCV000047967.60), dbSNP rs200157475, ClinGen allele CA142274.

ClinVar aggregate classification (germline): Benign/Likely benign. Review status: criteria provided, multiple submitters, no conflicts (2 of 4 stars). 9 submissions from 9 submitters: Benign (5); Likely benign (3). 1 of the submissions does not count toward it. Last evaluated 2026-01-28.

Conditions:
Noonan syndrome and Noonan-related syndrome. Identifiers: Orphanet 98733, MedGen C5681679, MONDO:0020297.
SPRED1-related disorder. Also called: SPRED1-related condition.
Cardiovascular phenotype. Identifiers: MedGen CN230736.
Legius syndrome. Identifiers: Orphanet 137605, MedGen C1969623, MONDO:0012669, OMIM 611431. Disease mechanism: loss of function.

Allele frequency attached by ClinVar (database versions not stated): gnomAD 0.00010; ESP Exome Variant Server 0.00015; TOPMed 0.00017; gnomAD exomes 0.00030 and 0.00068; 1000 Genomes Project 30x 0.00031; 1000 Genomes Project 0.00040; ExAC 0.00144.
gnomAD v4.1: 473 of 1,578,420 alleles (0.03%); highest among the groups gnomAD compares: South Asian, 0.23%; 2 homozygotes.

Submissions (9):

Labcorp Genetics (formerly Invitae), Labcorp
Classification: Benign for Legius syndrome. Last evaluated: 2026-01-28. Review status: criteria provided, single submitter. Criteria: Invitae Variant Classification Sherloc (09022015). Collection method: clinical testing. Allele origin: germline.

Blueprint Genetics
Classification: Likely benign. Last evaluated: 2024-10-25. Review status: criteria provided, single submitter. Criteria: ACMG Guidelines, 2015. Collection method: clinical testing. Allele origin: germline.

CeGaT Center for Human Genetics Tuebingen
Classification: Likely benign. Last evaluated: 2024-01-01. Review status: criteria provided, single submitter. Criteria: CeGaT Center For Human Genetics Tuebingen Variant Classification Criteria Version 2. Collection method: clinical testing. Allele origin: germline. Affected: yes. Observed: 1 variant allele.
Comment: SPRED1: BS1

Ambry Genetics
Classification: Benign for Cardiovascular phenotype. Last evaluated: 2021-11-01. Review status: criteria provided, single submitter. Criteria: Ambry Variant Classification Scheme 2023. Collection method: clinical testing. Allele origin: germline.

Women's Health and Genetics/Laboratory Corporation of America, LabCorp
Classification: Benign. Last evaluated: 2020-02-24. Review status: criteria provided, single submitter. Criteria: LabCorp Variant Classification Summary - May 2015. Collection method: clinical testing. Allele origin: germline.
Comment: Variant summary: SPRED1 c.26A>T (p.Asp9Val) results in a non-conservative amino acid change located in the WH1/EVH1 domain (IPR000697) of the encoded protein sequence. Three of five in-silico tools predict a benign effect of the variant on protein function. The variant allele was found at a frequency of 0.00068 in 195612 control chromosomes, predominantly at a frequency of 0.0025 within the South Asian subpopulation in the gnomAD database. The observed variant frequency within South Asian control individuals in the gnomAD database is approximately 1000 fold of the estimated maximal expected allele frequency for a pathogenic variant in SPRED1 causing Noonan Syndrome and Related Conditions phenotype (2.5e-06), strongly suggesting that the variant is a benign polymorphism found primarily in populations of South Asian origin. To our knowledge, no experimental evidence demonstrating its impact on protein function have been reported. Co-occurrence with another pathogenic variant has been internally reported (PTPN11 c.172A>T, p.Asn58Tyr), providing supporting evidence for a benign role. Four ClinVar submitters (evaluation after 2014) cites the variant as uncertain significance (1x), likely benign (1x) and benign (2x). Based on the evidence outlined above, the variant was classified as benign.

GeneDx
Classification: Likely benign. Last evaluated: 2019-10-11. Review status: criteria provided, single submitter. Criteria: GeneDx Variant Classification Process June 2021. Collection method: clinical testing. Allele origin: germline. Affected: yes.
Comment: This variant is associated with the following publications: (PMID: 26635368, 22753041, 31401120)

Genome Diagnostics Laboratory, The Hospital for Sick Children
Classification: Benign for Noonan syndrome and Noonan-related syndrome. Last evaluated: 2019-10-01. Review status: criteria provided, single submitter. Criteria: ACMG Guidelines, 2015. Collection method: clinical testing. Allele origin: germline.

Laboratory for Molecular Medicine, Mass General Brigham Personalized Medicine
Classification: Benign. Last evaluated: 2018-05-25. Review status: criteria provided, single submitter. Criteria: LMM Criteria. Collection method: clinical testing. Allele origin: germline. Observed: 2 variant alleles.
Comment: p.Asp9Val in exon 1 of SPRED1: This variant is classified as benign because it h as been identified in 0.5% (49/9150) of Ashkenazi Jewish chromosomes by the Geno me Aggregation Database (gnomAD; dbSNP rs20015 7475). ACMG/AMP criteria applied: BA1.

PreventionGenetics, part of Exact Sciences
Classification: Likely benign for SPRED1-related condition. Last evaluated: 2022-05-16. Review status: no assertion criteria provided. Collection method: clinical testing. Allele origin: germline. Not counted in ClinVar's aggregate classification.
Comment: This variant is classified as likely benign based on ACMG/AMP sequence variant interpretation guidelines (Richards et al. 2015 PMID: 25741868, with internal and published modifications).